The following is an entry in ClinVar:

NM_015175.3(NBEAL2):c.3058T>C (p.Tyr1020His)

Gene: NBEAL2 (neurobeachin like 2; plus strand). Cytogenetic location: 3p21.31.
Variant type: single nucleotide variant.
Coding change: c.3058T>C on transcript NM_015175.3 (MANE Select); coding-DNA position 3058, T replaced by C.
Protein change: p.Tyr1020His; replaces tyrosine 1020 with histidine.
Molecular consequence: missense variant.
Genome position (GRCh38, 1-based): chr3:46,998,166, T>C. VCF-style: chr3-46998166-T-C. GRCh37 (hg19) VCF-style: chr3-47039656-T-C.
Other names: c.2956T>C, p.Tyr986His (NM_001365116.2); short protein forms Y1020H, Y986H.
Identifiers: ClinVar variation 982287 (VCV000982287.1), dbSNP rs1362658024, ClinGen allele CA352512686.

ClinVar aggregate classification (germline): Uncertain significance (1 of 4 stars; one submission).

Conditions:
Gray platelet syndrome (GPS). Also called: BLEEDING DISORDER, PLATELET-TYPE, 4. Identifiers: Orphanet 721, MedGen C0272302, MONDO:0007686, OMIM 139090.

Allele frequency attached by ClinVar (database versions not stated): gnomAD 0.00001.
gnomAD v4.1: 1 of 1,607,658 alleles (0.000062%); highest among the groups gnomAD compares: African/African-American, 0.0013%; no homozygotes.

Submission:

NIHR Bioresource Rare Diseases, University of Cambridge
Classification: Uncertain significance for Gray platelet syndrome. Last evaluated: 2020-03-01. Review status: criteria provided, single submitter. Criteria: ACMG Guidelines, 2015. Collection method: research. Allele origin: unknown. Inheritance: Autosomal recessive inheritance. Affected: yes. Observed: 1 compound heterozygote.
Comment: ACMG criteria: PM2, PP4

Literature cited by the submitters: PubMed 32693407.